The following is an entry in ClinVar:

NM_001127208.3(TET2):c.5657dup (p.Leu1886fs)

Genes: TET2 (tet methylcytosine dioxygenase 2; plus strand), TET2-AS1 (TET2 antisense RNA 1; minus strand). Cytogenetic location: 4q24.
Variant type: Duplication.
Coding change: c.5657dup on transcript NM_001127208.3 (MANE Select); coding-DNA position 5657, one base duplicated (T; older notation c.5657dupT).
Protein change: p.Leu1886fs; shifts the reading frame from leucine 1886.
Molecular consequence: frameshift variant.
Genome position (GRCh38, 1-based): chr4:105,276,167, T duplicated; the last of 3 consecutive T bases (chr4:105,276,165-105,276,167); duplicating any one gives the same sequence. VCF-style (leftmost placement, unchanged base first): chr4-105276164-C-CT. GRCh37 (hg19) VCF-style: chr4-106197321-C-CT.
Other names: short protein forms L1886fs.
Identifiers: ClinVar variation 3650467 (VCV003650467.2).

ClinVar aggregate classification (germline): Uncertain significance (1 of 4 stars; one submission).

Submission:

Labcorp Genetics (formerly Invitae), Labcorp
Classification: Uncertain significance. Last evaluated: 2024-04-20. Review status: criteria provided, single submitter. Criteria: Invitae Variant Classification Sherloc (09022015). Collection method: clinical testing. Allele origin: germline.
Comment: This sequence change creates a premature translational stop signal (p.Leu1886Phefs*6) in the TET2 gene. While this is not anticipated to result in nonsense mediated decay, it is expected to disrupt the last 117 amino acid(s) of the TET2 protein. This variant is not present in population databases (gnomAD no frequency). This variant has not been reported in the literature in individuals affected with TET2-related conditions. Experimental studies and prediction algorithms are not available or were not evaluated, and the functional significance of this variant is currently unknown. In summary, the available evidence is currently insufficient to determine the role of this variant in disease. Therefore, it has been classified as a Variant of Uncertain Significance.